The following is an entry in ClinVar:

NM_000051.4(ATM):c.7928-18C>T

Genes: ATM (ATM serine/threonine kinase; plus strand), C11orf65 (chromosome 11 open reading frame 65; minus strand). Cytogenetic location: 11q22.3.
Variant type: single nucleotide variant.
Coding change: c.7928-18C>T on transcript NM_000051.4 (MANE Select); 18 bases into the intron before coding-DNA position 7928, C replaced by T.
Molecular consequence: intron variant.
Genome position (GRCh38, 1-based): chr11:108,333,868, C>T. VCF-style: chr11-108333868-C-T. GRCh37 (hg19) VCF-style: chr11-108204595-C-T.
Other names: c.7928-18C>T (NM_001351834.2); c.641-24797G>A (NM_001330368.2); c.*38+1352G>A (NM_001351110.2).
Identifiers: ClinVar variation 2993360 (VCV002993360.4), dbSNP rs2086540615, ClinGen allele CA2615862710.

ClinVar aggregate classification (germline): Likely benign. Review status: criteria provided, multiple submitters, no conflicts (2 of 4 stars). 2 submissions from 2 submitters: Likely benign (2). Last evaluated 2024-09-08.

Conditions:
Ataxia-telangiectasia syndrome (AT). Also called: ATAXIA-TELANGIECTASIA, COMPLEMENTATION GROUP A; ATAXIA-TELANGIECTASIA, FRESNO VARIANT; Ataxia-telangiectasia; Ataxia-telangiectasia, complementation group E; LOUIS-BAR SYNDROME; Cerebello-oculocutaneous telangiectasia. Identifiers: Orphanet 100, MedGen C0004135, MONDO:0008840, OMIM 208900.
Familial cancer of breast. Also called: BREAST CANCER, FAMILIAL; Hereditary breast cancer; hereditary breast carcinoma. Identifiers: Orphanet 227535, MedGen C0346153, MONDO:0016419, OMIM 114480. Disease mechanism: loss of function.

gnomAD v4.1: 4 of 1,575,742 alleles (0.00025%); highest among the groups gnomAD compares: African/African-American, 0.0013%; no homozygotes.

Submissions (2):

Labcorp Genetics (formerly Invitae), Labcorp
Classification: Likely benign for Ataxia-telangiectasia syndrome. Last evaluated: 2024-09-08. Review status: criteria provided, single submitter. Criteria: Invitae Variant Classification Sherloc (09022015). Collection method: clinical testing. Allele origin: germline.

Myriad Genetics, Inc.
Classification: Likely benign for Familial cancer of breast. Last evaluated: 2024-06-17. Review status: criteria provided, single submitter. Criteria: Myriad Autosomal Dominant, Autosomal Recessive and X-Linked Classification Criteria (2023). Collection method: clinical testing. Allele origin: unknown.
Comment: This variant is considered likely benign. This variant is intronic and is not expected to impact mRNA splicing.